The following is an entry in ClinVar:

NM_003738.5(PTCH2):c.97C>G (p.Pro33Ala)

Gene: PTCH2 (patched 2; minus strand). Cytogenetic location: 1p34.1.
Variant type: single nucleotide variant.
Coding change: c.97C>G on transcript NM_003738.5 (MANE Select); coding-DNA position 97, C replaced by G.
Protein change: p.Pro33Ala; replaces proline 33 with alanine.
Molecular consequence: missense variant.
Genome position (GRCh38, 1-based): chr1:44,842,015, G>C on the plus strand (C>G on the coding strand, the complement: PTCH2 is on the minus strand). VCF-style: chr1-44842015-G-C. GRCh37 (hg19) VCF-style: chr1-45307687-G-C.
Other names: c.97C>G, p.Pro33Ala (NM_001166292.2); short protein forms P33A.
Identifiers: ClinVar variation 453945 (VCV000453945.9), dbSNP rs1553166486, ClinGen allele CA340110994.

ClinVar aggregate classification (germline): Uncertain significance (1 of 4 stars; one submission).

Conditions:
Gorlin syndrome. Also called: Basal cell nevus syndrome; Nevoid Basal Cell Carcinoma Syndrome. Identifiers: Orphanet 377, MedGen C0004779, MONDO:0007187.

Submission:

Labcorp Genetics (formerly Invitae), Labcorp
Classification: Uncertain significance for Gorlin syndrome. Last evaluated: 2017-07-16. Review status: criteria provided, single submitter. Criteria: Invitae Variant Classification Sherloc (09022015). Collection method: clinical testing. Allele origin: germline.
Comment: This sequence change replaces proline with alanine at codon 33 of the PTCH2 protein (p.Pro33Ala). The proline residue is moderately conserved and there is a small physicochemical difference between proline and alanine. In summary, the available evidence is currently insufficient to determine the role of this variant in disease. Therefore, it has been classified as a Variant of Uncertain Significance. Algorithms developed to predict the effect of missense changes on protein structure and function (SIFT, PolyPhen-2, Align-GVGD) all suggest that this variant is likely to be tolerated, but these predictions have not been confirmed by published functional studies and their clinical significance is uncertain. This variant has not been reported in the literature in individuals with PTCH2-related disease. This variant is not present in population databases (ExAC no frequency).